The following is an entry in ClinVar:

NM_000548.5(TSC2):c.3967G>C (p.Ala1323Pro)

Gene: TSC2 (TSC complex subunit 2; plus strand). Cytogenetic location: 16p13.3.
Variant type: single nucleotide variant.
Coding change: c.3967G>C on transcript NM_000548.5 (MANE Select); coding-DNA position 3967, G replaced by C.
Protein change: p.Ala1323Pro; replaces alanine 1323 with proline.
Molecular consequence: missense variant. On other transcripts: non-coding transcript variant (5).
Genome position (GRCh38, 1-based): chr16:2,083,778, G>C. VCF-style: chr16-2083778-G-C. GRCh37 (hg19) VCF-style: chr16-2133779-G-C.
Other names: c.3856G>C, p.Ala1286Pro (NM_001406668.1); c.3787G>C, p.Ala1263Pro (NM_001406670.1); c.3757G>C, p.Ala1253Pro (NM_001406671.1); c.3754G>C, p.Ala1252Pro (NM_001406673.1); c.3751G>C, p.Ala1251Pro (NM_001406675.1); c.3748G>C, p.Ala1250Pro (NM_001406676.1); c.3709G>C, p.Ala1237Pro (NM_001406677.1); c.3655G>C, p.Ala1219Pro (NM_001406678.1); and 26 more; short protein forms A1057P, A1099P, A1207P, A1219P, A1220P, A1251P, A1257P, A1267P.
Identifiers: ClinVar variation 2742263 (VCV002742263.4), dbSNP rs1248093496, ClinGen allele CA394297508.
Genomic context (GRCh38, chr16:2,083,778, plus strand): 5'-GGAAGTCCGGGCGAGGTTCCTGTGCTGGTGGAGCCCCCAGGGTTGGAGGACGTTGAGGCA[G>C]CGCTAGGCATGGACAGGCGCACGGATGCCTACAGCAGGGTGAGTGTGGCTCAGAGCCTGG-3'
Protein context (NP_000539.2, residues 1313-1333): EPPGLEDVEA[Ala1323Pro]LGMDRRTDAY

ClinVar aggregate classification (germline): Conflicting classifications of pathogenicity. Review status: criteria provided, conflicting classifications (1 of 4 stars). 2 submissions from 2 submitters: Uncertain significance (1); Benign (1). Last evaluated 2026-02-13.

Conditions:
Tuberous sclerosis 2 (TSC2). Identifiers: Orphanet 805, MedGen C1860707, MONDO:0013199, OMIM 613254.
Hereditary cancer-predisposing syndrome. Also called: Tumor predisposition; Hereditary Cancer Syndrome; Hereditary neoplastic syndrome; Neoplastic Syndromes, Hereditary. Identifiers: Orphanet 140162, MedGen C0027672, MeSH D009386, MONDO:0015356.

gnomAD v4.1: 1 of 1,611,406 alleles (0.000062%); highest among the groups gnomAD compares: South Asian, 0.0011%; no homozygotes.

Submissions (2):

Ambry Genetics
Classification: Uncertain significance for Hereditary cancer-predisposing syndrome. Last evaluated: 2026-02-13. Review status: criteria provided, single submitter. Criteria: Ambry Variant Classification Scheme 2023. Collection method: clinical testing. Allele origin: germline.
Comment: The p.A1323P variant (also known as c.3967G>C), located in coding exon 32 of the TSC2 gene, results from a G to C substitution at nucleotide position 3967. The alanine at codon 1323 is replaced by proline, an amino acid with highly similar properties. This amino acid position is not well conserved in available vertebrate species. In addition, the in silico prediction for this alteration is inconclusive. Based on the available evidence, the clinical significance of this variant remains unclear.

Labcorp Genetics (formerly Invitae), Labcorp
Classification: Benign for Tuberous sclerosis 2. Last evaluated: 2024-10-24. Review status: criteria provided, single submitter. Criteria: Invitae Variant Classification Sherloc (09022015). Collection method: clinical testing. Allele origin: germline.